The following is an entry in ClinVar:

NM_015338.6(ASXL1):c.4336A>G (p.Lys1446Glu)

Gene: ASXL1 (ASXL transcriptional regulator 1; plus strand). Cytogenetic location: 20q11.21.
Variant type: single nucleotide variant.
Coding change: c.4336A>G on transcript NM_015338.6 (MANE Select); coding-DNA position 4336, A replaced by G.
Protein change: p.Lys1446Glu; replaces lysine 1446 with glutamic acid.
Molecular consequence: missense variant.
Genome position (GRCh38, 1-based): chr20:32,437,048, A>G. VCF-style: chr20-32437048-A-G. GRCh37 (hg19) VCF-style: chr20-31024851-A-G.
Other names: c.4153A>G, p.Lys1385Glu (NM_001363734.1); short protein forms K1385E, K1446E.
Identifiers: ClinVar variation 3954918 (VCV003954918.1).

ClinVar aggregate classification (germline): Uncertain significance (1 of 4 stars; one submission).

Conditions:
Inborn genetic diseases. Identifiers: MedGen C0950123, MeSH D030342.

gnomAD v4.1: 1 of 1,614,118 alleles (0.000062%); highest among the groups gnomAD compares: African/African-American, 0.0013%; no homozygotes.

Submission:

Ambry Genetics
Classification: Uncertain significance for Inborn genetic diseases. Last evaluated: 2025-03-17. Review status: criteria provided, single submitter. Criteria: Ambry Variant Classification Scheme 2023. Collection method: clinical testing. Allele origin: germline.
Comment: The p.K1446E variant (also known as c.4336A>G), located in coding exon 13 of the ASXL1 gene, results from an A to G substitution at nucleotide position 4336. The lysine at codon 1446 is replaced by glutamic acid, an amino acid with similar properties. This amino acid position is conserved. In addition, the in silico prediction for this alteration is inconclusive. Based on the available evidence, the clinical significance of this variant remains unclear.